The following is an entry in ClinVar:

NM_001370785.2(LRRC7):c.2353C>T (p.Pro785Ser)

Genes: LRRC7 (leucine rich repeat containing 7; plus strand), LRRC7-AS1 (LRRC7 antisense RNA 1; minus strand). Cytogenetic location: 1p31.1.
Variant type: single nucleotide variant.
Coding change: c.2353C>T on transcript NM_001370785.2 (MANE Select); coding-DNA position 2353, C replaced by T.
Protein change: p.Pro785Ser; replaces proline 785 with serine.
Molecular consequence: missense variant. On other transcripts: non-coding transcript variant (1).
Genome position (GRCh38, 1-based): chr1:70,038,177, C>T. VCF-style: chr1-70038177-C-T. GRCh37 (hg19) VCF-style: chr1-70503860-C-T.
Other names: NM_020794.2:c.2239C>T; c.2254C>T, p.Pro752Ser (NM_001330635.3, NM_001366841.1); c.2356C>T, p.Pro786Ser (NM_001350216.3); c.2353C>T, p.Pro785Ser (NM_001366838.3); c.2194C>T, p.Pro732Ser (NM_001366839.3); short protein forms P732S, P752S, P785S, P786S.
Identifiers: ClinVar variation 3899216 (VCV003899216.1).

ClinVar aggregate classification (germline): Uncertain significance (1 of 4 stars; one submission).

Submission:

GeneDx
Classification: Uncertain significance. Last evaluated: 2024-11-08. Review status: criteria provided, single submitter. Criteria: GeneDx Variant Classification Process June 2021. Collection method: clinical testing. Allele origin: germline. Affected: yes.
Comment: Not observed at significant frequency in large population cohorts (gnomAD); In silico analysis indicates that this missense variant does not alter protein structure/function; Has not been previously published as pathogenic or benign to our knowledge